The following is an entry in ClinVar:

ClinVar aggregate classification (germline): Uncertain significance (1 of 4 stars; one submission).

Submission:

Ambry Genetics
Classification: Uncertain significance. Last evaluated: 2026-04-28. Review status: criteria provided, single submitter. Criteria: Ambry Variant Classification Scheme 2023. Collection method: clinical testing. Allele origin: germline.
Comment: The c.268C>T (p.R90W) alteration is located in exon 2 (coding exon 1) of the CDC42EP1 gene. This alteration results from a C to T substitution at nucleotide position 268, causing the arginine (R) at amino acid position 90 to be replaced by a tryptophan (W). Based on data from gnomAD, the T allele has an overall frequency of 0.008% (18/235968) total alleles studied. The highest observed frequency was 0.052% (17/32980) of Latino alleles. Based on insufficient or conflicting evidence, the clinical significance of this alteration remains unclear.

NM_152243.3(CDC42EP1):c.268C>T (p.Arg90Trp)

Gene: CDC42EP1 (CDC42 effector protein 1; plus strand). Cytogenetic location: 22q13.1.
Variant type: single nucleotide variant.
Coding change: c.268C>T on transcript NM_152243.3 (MANE Select); coding-DNA position 268, C replaced by T.
Protein change: p.Arg90Trp; replaces arginine 90 with tryptophan.
Molecular consequence: missense variant.
Genome position (GRCh38, 1-based): chr22:37,566,617, C>T. VCF-style: chr22-37566617-C-T. GRCh37 (hg19) VCF-style: chr22-37962624-C-T.
Other names: short protein forms R90W.
Identifiers: ClinVar variation 4868340 (VCV004868340.1).